The following is an entry in ClinVar:

NM_015425.6(POLR1A):c.673A>G (p.Ile225Val)

Gene: POLR1A (RNA polymerase I subunit A; minus strand). Cytogenetic location: 2p11.2.
Variant type: single nucleotide variant.
Coding change: c.673A>G on transcript NM_015425.6 (MANE Select); coding-DNA position 673, A replaced by G.
Protein change: p.Ile225Val; replaces isoleucine 225 with valine.
Molecular consequence: missense variant.
Genome position (GRCh38, 1-based): chr2:86,088,623, T>C on the plus strand (A>G on the coding strand, the complement: POLR1A is on the minus strand). VCF-style: chr2-86088623-T-C. GRCh37 (hg19) VCF-style: chr2-86315746-T-C.
Other names: short protein forms I225V.
Identifiers: ClinVar variation 2068595 (VCV002068595.4), dbSNP rs1028429190, ClinGen allele CA51366650.
Genomic context (GRCh38, chr2:86,088,623, plus strand): 5'-CACCCAGGGGCTCAGAGTCCTTCTGGCCAGCTGTCCTGTGCACCATGGCTGGAAACGTGA[T>C]AGTCAACTTGCTGTTGTGTTCCTTTCGGACAACGGATCGCCCGGTCCTGTGCAGGAGGAC-3'
Protein context (NP_056240.2, residues 215-235): VRKEHNSKLT[Ile225Val]TFPAMVHRTA

ClinVar aggregate classification (germline): Uncertain significance (1 of 4 stars; one submission).

Allele frequency attached by ClinVar (database versions not stated): gnomAD 0.00001; gnomAD exomes 0.00002; TOPMed 0.00003.
gnomAD v4.1: 25 of 1,613,964 alleles (0.0015%); highest among the groups gnomAD compares: African/African-American, 0.0027%; no homozygotes.

Submission:

Labcorp Genetics (formerly Invitae), Labcorp
Classification: Uncertain significance. Last evaluated: 2025-06-12. Review status: criteria provided, single submitter. Criteria: Invitae Variant Classification Sherloc (09022015). Collection method: clinical testing. Allele origin: germline.
Comment: This sequence change replaces isoleucine, which is neutral and non-polar, with valine, which is neutral and non-polar, at codon 225 of the POLR1A protein (p.Ile225Val). This variant is not present in population databases (gnomAD no frequency). This variant has not been reported in the literature in individuals affected with POLR1A-related conditions. ClinVar contains an entry for this variant (Variation ID: 2068595). Invitae Evidence Modeling of protein sequence and biophysical properties (such as structural, functional, and spatial information, amino acid conservation, physicochemical variation, residue mobility, and thermodynamic stability) indicates that this missense variant is not expected to disrupt POLR1A protein function with a negative predictive value of 80%. In summary, the available evidence is currently insufficient to determine the role of this variant in disease. Therefore, it has been classified as a Variant of Uncertain Significance.